The following is an entry in ClinVar:

NM_001134363.3(RBM20):c.2264G>A (p.Arg755His)

Gene: RBM20 (RNA binding motif protein 20; plus strand). Cytogenetic location: 10q25.2.
Variant type: single nucleotide variant.
Coding change: c.2264G>A on transcript NM_001134363.3 (MANE Select); coding-DNA position 2264, G replaced by A.
Protein change: p.Arg755His; replaces arginine 755 with histidine.
Molecular consequence: missense variant.
Genome position (GRCh38, 1-based): chr10:110,812,661, G>A. VCF-style: chr10-110812661-G-A. GRCh37 (hg19) VCF-style: chr10-112572419-G-A.
Other names: short protein forms R755H.
Identifiers: ClinVar variation 568612 (VCV000568612.40), dbSNP rs986602724, ClinGen allele CA213224085.

ClinVar aggregate classification (germline): Conflicting classifications of pathogenicity. Review status: criteria provided, conflicting classifications (1 of 4 stars). 5 submissions from 5 submitters: Uncertain significance (1); Likely benign (4). Last evaluated 2026-06-11.

Conditions:
Cardiovascular phenotype. Identifiers: MedGen CN230736.
Dilated cardiomyopathy 1DD (CMD1DD). Identifiers: Orphanet 154, MedGen C2750995, MONDO:0013168, OMIM 613172.

Allele frequency attached by ClinVar (database versions not stated): gnomAD exomes 0.00005 and 0.00008; TOPMed 0.00010.
gnomAD v4.1: 85 of 1,551,740 alleles (0.0055%); highest among the groups gnomAD compares: East Asian, 0.11%; no homozygotes.

Submissions (5):

Women's Health and Genetics/Laboratory Corporation of America, LabCorp
Classification: Likely benign. Last evaluated: 2026-06-11. Review status: criteria provided, single submitter. Criteria: LabCorp Variant Classification Summary - May 2015. Collection method: clinical testing. Allele origin: germline.
Comment: Variant summary: RBM20 c.2264G>A (p.Arg755His) results in a non-conservative amino acid change in the encoded protein sequence. Algorithms developed to predict the effect of missense changes on protein structure and function all suggest that this variant is likely to be disruptive. The variant allele was found at a frequency of 8.3e-05 in 156416 control chromosomes, predominantly at a frequency of 0.00092 within the East Asian subpopulation in the gnomAD database. The observed variant frequency within East Asian control individuals in the gnomAD database exceeds the estimated maximal expected allele frequency for disease-causing variants in RBM20. ClinVar contains an entry for this variant (Variation ID: 568612). Based on the evidence outlined above, the variant was classified as likely benign.

Labcorp Genetics (formerly Invitae), Labcorp
Classification: Likely benign for Dilated cardiomyopathy 1DD. Last evaluated: 2026-01-10. Review status: criteria provided, single submitter. Criteria: Invitae Variant Classification Sherloc (09022015). Collection method: clinical testing. Allele origin: germline.

Ambry Genetics
Classification: Uncertain significance for Cardiovascular phenotype. Last evaluated: 2025-10-01. Review status: criteria provided, single submitter. Criteria: Ambry Variant Classification Scheme 2023. Collection method: clinical testing. Allele origin: germline.
Comment: The p.R755H variant (also known as c.2264G>A), located in coding exon 9 of the RBM20 gene, results from a G to A substitution at nucleotide position 2264. The arginine at codon 755 is replaced by histidine, an amino acid with highly similar properties. This alteration has been reported in hypertrophic cardiomyopathy (HCM) and dilated cardiomyopathy (DCM) cohorts (Lopes LR et al. Heart, 2015 Feb;101:294-301; Horvat C et al. Genet. Med., 2019 01;21:133-143; Dai J et al. Can J Cardiol, 2021 Nov;37:1751-1759). This alteration was also reported in a control subject (Neoldov&aacute; M et al. Pharmacogenomics, 2016 Aug;17:1405-14). This amino acid position is well conserved in available vertebrate species. In addition, the in silico prediction for this alteration is inconclusive. Since supporting evidence is limited at this time, the clinical significance of this alteration remains unclear.

CeGaT Center for Human Genetics Tuebingen
Classification: Likely benign. Last evaluated: 2024-12-01. Review status: criteria provided, single submitter. Criteria: CeGaT Center For Human Genetics Tuebingen Variant Classification Criteria Version 2. Collection method: clinical testing. Allele origin: germline. Affected: yes. Observed: 1 variant allele.
Comment: RBM20: BS1

Blueprint Genetics
Classification: Likely benign. Last evaluated: 2024-11-26. Review status: criteria provided, single submitter. Criteria: ACMG Guidelines, 2015. Collection method: clinical testing. Allele origin: germline.

Literature cited by the submitters: PubMed 25351510 (cited by Ambry Genetics); PubMed 27296017 (cited by Ambry Genetics); PubMed 29892087 (cited by Ambry Genetics); PubMed 31983221 (cited by Ambry Genetics); PubMed 34333030 (cited by Ambry Genetics).